The following is an entry in ClinVar:

ClinVar aggregate classification (germline): Uncertain significance. Review status: criteria provided, multiple submitters, no conflicts (2 of 4 stars). 3 submissions from 3 submitters: Uncertain significance (3). Last evaluated 2025-10-21.

Conditions:
Familial hypercholesterolemia. Also called: Familial hypercholesterolaemia. Identifiers: MedGen C0020445, MONDO:0005439.

Submissions (3):

Women's Health and Genetics/Laboratory Corporation of America, LabCorp
Classification: Uncertain significance. Last evaluated: 2025-10-21. Review status: criteria provided, single submitter. Criteria: LabCorp Variant Classification Summary - May 2015. Collection method: clinical testing. Allele origin: germline.

Color Diagnostics, LLC DBA Color Health
Classification: Uncertain significance for Familial hypercholesterolemia. Last evaluated: 2025-07-18. Review status: criteria provided, single submitter. Criteria: ACMG Guidelines, 2015. Collection method: clinical testing. Allele origin: germline.
Comment: This missense variant replaces arginine with leucine at codon 97 of the PCSK9 protein. Computational prediction suggests that this variant may not impact protein structure and function. To our knowledge, functional studies have not been reported for this variant. This variant has not been reported in individuals affected with PCSK9-related disorders in the literature. This variant has been identified in 4/251260 chromosomes in the general population by the Genome Aggregation Database (gnomAD). The available evidence is insufficient to determine the role of this variant in disease conclusively. Therefore, this variant is classified as a Variant of Uncertain Significance.

Clinical Genetics Laboratory, Skane University Hospital Lund
Classification: Uncertain significance. Last evaluated: 2022-05-27. Review status: criteria provided, single submitter. Criteria: ACMG Guidelines, 2015. Collection method: clinical testing. Allele origin: germline. Affected: yes.

NM_174936.4(PCSK9):c.290G>T (p.Arg97Leu)

Gene: PCSK9 (proprotein convertase subtilisin/kexin type 9; plus strand). Cytogenetic location: 1p32.3.
Variant type: single nucleotide variant.
Coding change: c.290G>T on transcript NM_174936.4 (MANE Select); coding-DNA position 290, G replaced by T.
Protein change: p.Arg97Leu; replaces arginine 97 with leucine.
Molecular consequence: missense variant. On other transcripts: 5 prime UTR variant (1), non-coding transcript variant (6), intron variant (1).
Genome position (GRCh38, 1-based): chr1:55,043,925, G>T. VCF-style: chr1-55043925-G-T. GRCh37 (hg19) VCF-style: chr1-55509598-G-T.
Other names: c.413G>T, p.Arg138Leu (NM_001407240.1); c.290G>T, p.Arg97Leu (NM_001407241.1, NM_001407242.1, NM_001407243.1 and 2 more transcripts); c.-86G>T (NM_001407246.1); c.208-2598G>T (NM_001407245.1); short protein forms R138L, R97L.
Identifiers: ClinVar variation 3336928 (VCV003336928.3).
Genomic context (GRCh38, chr1:55,043,925, plus strand): 5'-CCTACGTGGTGGTGCTGAAGGAGGAGACCCACCTCTCGCAGTCAGAGCGCACTGCCCGCC[G>T]CCTGCAGGCCCAGGCTGCCCGCCGGGGATACCTCACCAAGATCCTGCATGTCTTCCATGG-3'
Protein context (NP_777596.2, residues 87-107): HLSQSERTAR[Arg97Leu]LQAQAARRGY